The following is an entry in ClinVar:

ClinVar aggregate classification (germline): Uncertain significance (1 of 4 stars; one submission).

Conditions:
RYR1-related disorder. Also called: RYR1-related condition; RYR1-related disorders. Identifiers: MedGen CN239331.

gnomAD v4.1: 1 of 1,613,408 alleles (0.000062%); highest among the groups gnomAD compares: South Asian, 0.0011%; no homozygotes.

Submission:

Labcorp Genetics (formerly Invitae), Labcorp
Classification: Uncertain significance for RYR1-related disorder. Last evaluated: 2022-02-09. Review status: criteria provided, single submitter. Criteria: Invitae Variant Classification Sherloc (09022015). Collection method: clinical testing. Allele origin: germline.
Comment: This sequence change replaces threonine, which is neutral and polar, with lysine, which is basic and polar, at codon 2839 of the RYR1 protein (p.Thr2839Lys). The frequency data for this variant in the population databases is considered unreliable, as metrics indicate poor data quality at this position in the gnomAD database. This variant has not been reported in the literature in individuals affected with RYR1-related conditions. ClinVar contains an entry for this variant (Variation ID: 1027293). Advanced modeling of protein sequence and biophysical properties (such as structural, functional, and spatial information, amino acid conservation, physicochemical variation, residue mobility, and thermodynamic stability) performed at Invitae indicates that this missense variant is not expected to disrupt RYR1 protein function. In summary, the available evidence is currently insufficient to determine the role of this variant in disease. Therefore, it has been classified as a Variant of Uncertain Significance.

NM_000540.3(RYR1):c.8516C>A (p.Thr2839Lys)

Genes: RYR1 (ryanodine receptor 1; plus strand), LOC126862902 (BRD4-independent group 4 enhancer GRCh37_chr19:38995830-38997029; plus strand). Cytogenetic location: 19q13.2.
Variant type: single nucleotide variant.
Coding change: c.8516C>A on transcript NM_000540.3 (MANE Select); coding-DNA position 8516, C replaced by A.
Protein change: p.Thr2839Lys; replaces threonine 2839 with lysine.
Molecular consequence: missense variant.
Genome position (GRCh38, 1-based): chr19:38,505,921, C>A. VCF-style: chr19-38505921-C-A. GRCh37 (hg19) VCF-style: chr19-38996561-C-A.
Other names: c.8516C>A, p.Thr2839Lys (NM_001042723.2); short protein forms T2839K.
Identifiers: ClinVar variation 1027293 (VCV001027293.6), dbSNP rs781458272, ClinGen allele CA072146.